The following is an entry in ClinVar:

ClinVar aggregate classification (germline): Conflicting classifications of pathogenicity. Review status: criteria provided, conflicting classifications (1 of 4 stars). 4 submissions from 4 submitters: Uncertain significance (1); Benign (1); Likely benign (2). Last evaluated 2026-04-15.

Conditions:
NOTCH2-related disorder. Also called: NOTCH2-related condition.
Hajdu-Cheney syndrome (HJCYS). Also called: ACROOSTEOLYSIS WITH OSTEOPOROSIS AND CHANGES IN SKULL AND MANDIBLE; SERPENTINE FIBULA-POLYCYSTIC KIDNEY SYNDROME; Acroosteolysis dominant type. Identifiers: Orphanet 955, MedGen C0917715, MONDO:0007057, OMIM 102500.

Allele frequency attached by ClinVar (database versions not stated): gnomAD 0.00002 and 0.00003; TOPMed 0.00003; gnomAD exomes 0.00006 and 0.00009; ESP Exome Variant Server 0.00008; ExAC 0.00012; 1000 Genomes Project 0.00020; 1000 Genomes Project 30x 0.00031.
gnomAD v4.1: 85 of 1,613,868 alleles (0.0053%); highest among the groups gnomAD compares: East Asian, 0.15%; no homozygotes.

Submissions (4):

PreventionGenetics, part of Exact Sciences
Classification: Likely benign for NOTCH2-related condition. Last evaluated: 2026-04-15. Review status: criteria provided, single submitter. Criteria: ACMG Guidelines, 2015. Collection method: clinical testing. Allele origin: germline.
Comment: This variant is classified as likely benign based on ACMG/AMP sequence variant interpretation guidelines (Richards et al. 2015 PMID: 25741868, with internal and published modifications).

Labcorp Genetics (formerly Invitae), Labcorp
Classification: Benign for Hajdu-Cheney syndrome. Last evaluated: 2025-10-20. Review status: criteria provided, single submitter. Criteria: Invitae Variant Classification Sherloc (09022015). Collection method: clinical testing. Allele origin: germline.

Blueprint Genetics
Classification: Likely benign. Last evaluated: 2023-12-20. Review status: criteria provided, single submitter. Criteria: ACMG Guidelines, 2015. Collection method: clinical testing. Allele origin: germline.

Eurofins Ntd Llc (ga)
Classification: Uncertain significance. Last evaluated: 2017-02-27. Review status: criteria provided, single submitter. Criteria: EGL Classification Definitions 2015. Collection method: clinical testing. Allele origin: germline. Observed: 1 variant allele, 1 heterozygote.

NM_024408.4(NOTCH2):c.1653G>A (p.Pro551=)

Gene: NOTCH2 (notch receptor 2; minus strand). Cytogenetic location: 1p12.
Variant type: single nucleotide variant.
Coding change: c.1653G>A on transcript NM_024408.4 (MANE Select); coding-DNA position 1653, G replaced by A.
Protein change: p.Pro551=; no amino-acid change (proline 551 retained).
Molecular consequence: synonymous variant.
Genome position (GRCh38, 1-based): chr1:119,965,481, C>T on the plus strand (G>A on the coding strand, the complement: NOTCH2 is on the minus strand). VCF-style: chr1-119965481-C-T. GRCh37 (hg19) VCF-style: chr1-120508104-C-T.
Other names: c.1653G>A (NM_024408.3); c.1653G>A, p.Pro551= (NM_001200001.2).
Identifiers: ClinVar variation 500643 (VCV000500643.15), dbSNP rs187731832, ClinGen allele CA1040488.